The following is an entry in ClinVar:

ClinVar aggregate classification (germline): Uncertain significance. Review status: criteria provided, multiple submitters, no conflicts (2 of 4 stars). 7 submissions from 7 submitters: Uncertain significance (7). Last evaluated 2025-12-15.

Conditions:
Multiple endocrine neoplasia, type 2 (MEN2). Identifiers: Orphanet 653, MedGen C4048306, MONDO:0019003. Disease mechanism: gain of function.
Hereditary cancer-predisposing syndrome. Also called: Neoplastic Syndromes, Hereditary; Hereditary Cancer Syndrome; Tumor predisposition; Hereditary neoplastic syndrome. Identifiers: Orphanet 140162, MedGen C0027672, MeSH D009386, MONDO:0015356.
Multiple endocrine neoplasia type 2A. Also called: Multiple Endocrine Neoplasia Type 2A (MEN2A); MULTIPLE ENDOCRINE NEOPLASIA, TYPE IIA; PTC SYNDROME; SIPPLE SYNDROME; MEN 2A; MEN-2A syndrome. Identifiers: Orphanet 247698, Orphanet 653, MedGen C0025268, MeSH D018813, MONDO:0008234, OMIM 171400.
Hirschsprung disease, susceptibility to, 1 (HSCR1). Also called: RET-Related Hirschsprung Disease. Identifiers: Orphanet 388, MedGen C3888239, MONDO:0007723, OMIM 142623.
RET-related disorder. Also called: RET-related disorders; RET-related condition; RET-related disease.

Allele frequency attached by ClinVar (database versions not stated): gnomAD exomes 0.00001 and 0.00002; ExAC 0.00002; TOPMed 0.00006; gnomAD 0.00007; ESP Exome Variant Server 0.00008.

Submissions (7):

Labcorp Genetics (formerly Invitae), Labcorp
Classification: Uncertain significance for Multiple endocrine neoplasia, type 2. Last evaluated: 2025-12-15. Review status: criteria provided, single submitter. Criteria: Invitae Variant Classification Sherloc (09022015). Collection method: clinical testing. Allele origin: germline.
Comment: This sequence change replaces methionine, which is neutral and non-polar, with threonine, which is neutral and polar, at codon 1009 of the RET protein (p.Met1009Thr). This variant is present in population databases (rs375213011, gnomAD 0.02%). This variant has not been reported in the literature in individuals affected with RET-related conditions. ClinVar contains an entry for this variant (Variation ID: 822646). An algorithm developed to predict the effect of missense changes on protein structure and function (PolyPhen-2) suggests that this variant is likely to be disruptive. In summary, the available evidence is currently insufficient to determine the role of this variant in disease. Therefore, it has been classified as a Variant of Uncertain Significance.

PreventionGenetics, part of Exact Sciences
Classification: Uncertain significance for RET-related condition. Last evaluated: 2025-02-24. Review status: criteria provided, single submitter. Criteria: ACMG Guidelines, 2015. Collection method: clinical testing. Allele origin: germline.
Comment: The RET c.3026T>C variant is predicted to result in the amino acid substitution p.Met1009Thr. To our knowledge, this variant has not been reported in the literature. This variant is reported in 0.020% of alleles in individuals of African descent in gnomAD. This variant is interpreted as variant of uncertain significance in ClinVar. At this time, the clinical significance of this variant is uncertain due to the absence of conclusive functional and genetic evidence.

Ambry Genetics
Classification: Uncertain significance for Hereditary cancer-predisposing syndrome. Last evaluated: 2024-10-22. Review status: criteria provided, single submitter. Criteria: Ambry Variant Classification Scheme 2023. Collection method: clinical testing. Allele origin: germline.
Comment: The p.M1009T variant (also known as c.3026T>C), located in coding exon 18 of the RET gene, results from a T to C substitution at nucleotide position 3026. The methionine at codon 1009 is replaced by threonine, an amino acid with similar properties. Based on data from gnomAD, the frequency for this variant is above the maximum credible frequency for a multiple endocrine neoplasia type 2 (MEN2)-causing variant in this gene based on internally established thresholds (Karczewski et al. Nature. 2020 May;581(7809):434-443; Whiffin et al. Genet Med. 2017 10;19:1151-1158). This amino acid position is highly conserved in available vertebrate species. In addition, this alteration is predicted to be deleterious by in silico analysis. Based on the supporting evidence, the association of this alteration with Hirschsprung disease is unknown; however, the association of this alteration with MEN2 is unlikely.

Baylor Genetics
Classification: Uncertain significance for Hirschsprung disease, susceptibility to, 1. Last evaluated: 2023-10-12. Review status: criteria provided, single submitter. Criteria: ACMG Guidelines, 2015. Collection method: clinical testing. Allele origin: unknown.

St. Jude Molecular Pathology, St. Jude Children's Research Hospital
Classification: Uncertain significance for Multiple endocrine neoplasia type 2A. Last evaluated: 2023-07-25. Review status: criteria provided, single submitter. Criteria: St. Jude Assertion Criteria 2020. Collection method: clinical testing. Allele origin: germline.
Comment: The RET c.3026T>C (p.Met1009Thr) missense change has a maximum subpopulation frequency of 0.020% in gnomAD v2.1.1. The in silico tool REVEL predicts a deleterious effect on protein function, but to our knowledge this prediction has not been confirmed by functional studies. To our knowledge, this variant has not been reported in the literature in individuals with multiple endocrine neoplasia type 2. In summary, the evidence currently available is insufficient to determine the clinical significance of this variant. It has therefore been classified as of uncertain significance.

GeneDx
Classification: Uncertain significance. Last evaluated: 2022-11-22. Review status: criteria provided, single submitter. Criteria: GeneDx Variant Classification Process June 2021. Collection method: clinical testing. Allele origin: germline. Affected: yes.
Comment: In silico analysis supports that this missense variant has a deleterious effect on protein structure/function; This variant is associated with the following publications: (PMID: 24429398, 14633923)

Mayo Clinic Laboratories, Mayo Clinic
Classification: Uncertain significance. Last evaluated: 2021-05-18. Review status: criteria provided, single submitter. Criteria: ACMG Guidelines, 2015. Collection method: clinical testing. Allele origin: germline.

NM_020975.6(RET):c.3026T>C (p.Met1009Thr)

Gene: RET (ret proto-oncogene; plus strand). Cytogenetic location: 10q11.21.
Variant type: single nucleotide variant.
Coding change: c.3026T>C on transcript NM_020975.6 (MANE Select); coding-DNA position 3026, T replaced by C.
Protein change: p.Met1009Thr; replaces methionine 1009 with threonine.
Molecular consequence: missense variant.
Genome position (GRCh38, 1-based): chr10:43,124,969, T>C. VCF-style: chr10-43124969-T-C. GRCh37 (hg19) VCF-style: chr10-43620417-T-C.
Other names: p.Met1009Thr; c.3026T>C, p.Met1009Thr (NM_000323.2, NM_001406743.1, NM_001406744.1 and 4 more transcripts); c.2264T>C, p.Met755Thr (NM_001355216.2); c.2897T>C, p.Met966Thr (NM_001406761.1, NM_001406762.1, NM_001406764.1); c.2891T>C, p.Met964Thr (NM_001406763.1, NM_001406765.1); c.2738T>C, p.Met913Thr (NM_001406766.1, NM_001406767.1, NM_001406770.1); c.2762T>C, p.Met921Thr (NM_001406768.1); c.2630T>C, p.Met877Thr (NM_001406769.1, NM_001406772.1); and 12 more; short protein forms M1009T, M755T, M679T, M913T, M526T, M574T, M665T, M767T.
Identifiers: ClinVar variation 822646 (VCV000822646.22), dbSNP rs375213011, ClinGen allele CA042037.